The following is an entry in ClinVar:

ClinVar aggregate classification (germline): Likely benign. Review status: criteria provided, multiple submitters, no conflicts (2 of 4 stars). 3 submissions from 3 submitters: Likely benign (3). Last evaluated 2025-04-26.

Conditions:
Retinitis pigmentosa 12 (RP12). Also called: RP WITH OR WITHOUT PPRPE; RP WITH OR WITHOUT PRESERVED PARAARTERIOLE RETINAL PIGMENT EPITHELIUM; RETINITIS PIGMENTOSA WITH OR WITHOUT PARAARTERIOLAR PRESERVATION OF RETINAL PIGMENT EPITHELIUM. Identifiers: Orphanet 791, MedGen C1838647, MONDO:0010818, OMIM 600105.
Leber congenital amaurosis 8 (LCA8). Identifiers: Orphanet 65, MedGen C3151202, MONDO:0013453, OMIM 613835.
CRB1-related disorder. Also called: CRB1-related disorders; CRB1-related condition.

Allele frequency attached by ClinVar (database versions not stated): ExAC 0.00004; gnomAD 0.00004; TOPMed 0.00005; gnomAD exomes 0.00007 and 0.00003; ESP Exome Variant Server 0.00015.
gnomAD v4.1: 110 of 1,614,122 alleles (0.0068%); highest among the groups gnomAD compares: Non-Finnish European, 0.0088%; no homozygotes.

Submissions (3):

Labcorp Genetics (formerly Invitae), Labcorp
Classification: Likely benign for Leber congenital amaurosis 8; Retinitis pigmentosa 12. Last evaluated: 2025-04-26. Review status: criteria provided, single submitter. Criteria: Invitae Variant Classification Sherloc (09022015). Collection method: clinical testing. Allele origin: germline.

PreventionGenetics, part of Exact Sciences
Classification: Likely benign for CRB1-related condition. Last evaluated: 2025-04-15. Review status: criteria provided, single submitter. Criteria: ACMG Guidelines, 2015. Collection method: clinical testing. Allele origin: germline.
Comment: This variant is classified as likely benign based on ACMG/AMP sequence variant interpretation guidelines (Richards et al. 2015 PMID: 25741868, with internal and published modifications).

Blueprint Genetics
Classification: Likely benign. Last evaluated: 2024-05-09. Review status: criteria provided, single submitter. Criteria: ACMG Guidelines, 2015. Collection method: clinical testing. Allele origin: germline.

NM_201253.3(CRB1):c.1089T>C (p.Tyr363=)

Gene: CRB1 (crumbs cell polarity complex component 1; plus strand). Cytogenetic location: 1q31.3.
Variant type: single nucleotide variant.
Coding change: c.1089T>C on transcript NM_201253.3 (MANE Select); coding-DNA position 1089, T replaced by C.
Protein change: p.Tyr363=; no amino-acid change (tyrosine 363 retained).
Molecular consequence: synonymous variant. On other transcripts: non-coding transcript variant (2).
Genome position (GRCh38, 1-based): chr1:197,356,931, T>C. VCF-style: chr1-197356931-T-C. GRCh37 (hg19) VCF-style: chr1-197326061-T-C.
Other names: c.753T>C, p.Tyr251= (NM_001193640.2); c.882T>C, p.Tyr294= (NM_001257965.2); c.1089T>C, p.Tyr363= (NM_001257966.2).
Identifiers: ClinVar variation 785917 (VCV000785917.11), dbSNP rs376105354, ClinGen allele CA1311801.